The following is an entry in ClinVar:

ClinVar aggregate classification (germline): Benign/Likely benign. Review status: criteria provided, multiple submitters, no conflicts (2 of 4 stars). 5 submissions from 5 submitters: Benign (1); Likely benign (3). 1 of the submissions does not count toward it. Last evaluated 2026-01-05.

Conditions:
Familial sleep-related hypermotor epilepsy. Also called: Autosomal Dominant Sleep-Related Hypermotor (Hyperkinetic) Epilepsy. Identifiers: Orphanet 98784, MedGen C3696898, MONDO:0000030.
CHRNA2-related disorder. Also called: CHRNA2-related condition.

Allele frequency attached by ClinVar (database versions not stated): 1000 Genomes Project 30x 0.00047; ExAC 0.00011; gnomAD exomes 0.00012; ESP Exome Variant Server 0.00038; 1000 Genomes Project 0.00040; TOPMed 0.00044; gnomAD 0.00045.
gnomAD v4.1: 153 of 1,614,056 alleles (0.0095%); highest among the groups gnomAD compares: African/African-American, 0.18%; no homozygotes.

Submissions (5):

Labcorp Genetics (formerly Invitae), Labcorp
Classification: Likely benign. Last evaluated: 2026-01-05. Review status: criteria provided, single submitter. Criteria: Invitae Variant Classification Sherloc (09022015). Collection method: clinical testing. Allele origin: germline.

Blueprint Genetics
Classification: Likely benign. Last evaluated: 2023-10-17. Review status: criteria provided, single submitter. Criteria: ACMG Guidelines, 2015. Collection method: clinical testing. Allele origin: germline.

GeneDx
Classification: Benign. Last evaluated: 2019-06-25. Review status: criteria provided, single submitter. Criteria: GeneDx Variant Classification Process June 2021. Collection method: clinical testing. Allele origin: germline. Affected: yes.

Breakthrough Genomics
Classification: Likely benign. Review status: criteria provided, single submitter. Criteria: ACMG Guidelines, 2015. Collection method: not provided. Allele origin: germline. Inheritance: Autosomal dominant inheritance. Affected: yes.

PreventionGenetics, part of Exact Sciences
Classification: Likely benign for CHRNA2-related condition. Last evaluated: 2023-03-24. Review status: no assertion criteria provided. Collection method: clinical testing. Allele origin: germline. Not counted in ClinVar's aggregate classification.
Comment: This variant is classified as likely benign based on ACMG/AMP sequence variant interpretation guidelines (Richards et al. 2015 PMID: 25741868, with internal and published modifications).

NM_000742.4(CHRNA2):c.710C>A (p.Thr237Lys)

Gene: CHRNA2 (cholinergic receptor nicotinic alpha 2 subunit; minus strand). Cytogenetic location: 8p21.2.
Variant type: single nucleotide variant.
Coding change: c.710C>A on transcript NM_000742.4 (MANE Select); coding-DNA position 710, C replaced by A.
Protein change: p.Thr237Lys; replaces threonine 237 with lysine.
Molecular consequence: missense variant.
Genome position (GRCh38, 1-based): chr8:27,463,733, G>T on the plus strand (C>A on the coding strand, the complement: CHRNA2 is on the minus strand). VCF-style: chr8-27463733-G-T. GRCh37 (hg19) VCF-style: chr8-27321250-G-T.
Other names: p.T237K:ACG>AAG; c.665C>A, p.Thr222Lys (NM_001282455.2); c.233C>A, p.Thr78Lys (NM_001347705.2, NM_001347706.2); c.116C>A, p.Thr39Lys (NM_001347707.2, NM_001347708.2); short protein forms T237K, T222K, T39K, T78K.
Identifiers: ClinVar variation 204963 (VCV000204963.17), dbSNP rs140350483, ClinGen allele CA313448.